The following is an entry in ClinVar:

NM_000417.3(IL2RA):c.64+8C>T

Genes: IL2RA (interleukin 2 receptor subunit alpha; minus strand), LOC130003232 (ATAC-STARR-seq lymphoblastoid active region 2950; plus strand). Cytogenetic location: 10p15.1.
Variant type: single nucleotide variant.
Coding change: c.64+8C>T on transcript NM_000417.3 (MANE Select); 8 bases into the intron after coding-DNA position 64, C replaced by T.
Molecular consequence: intron variant.
Genome position (GRCh38, 1-based): chr10:6,062,080, G>A on the plus strand (C>T on the coding strand, the complement: IL2RA is on the minus strand). VCF-style: chr10-6062080-G-A. GRCh37 (hg19) VCF-style: chr10-6104043-G-A.
Other names: c.64+8C>T (NM_001308243.2, NM_001308242.2).
Identifiers: ClinVar variation 1337208 (VCV001337208.7), dbSNP rs763613912, ClinGen allele CA5397569.

ClinVar aggregate classification (germline): Conflicting classifications of pathogenicity. Review status: criteria provided, conflicting classifications (1 of 4 stars). 2 submissions from 2 submitters: Uncertain significance (1); Likely benign (1). Last evaluated 2025-10-13.

Conditions:
Immunodeficiency due to CD25 deficiency. Also called: CD25 DEFICIENCY; IMMUNODEFICIENCY 41 WITH LYMPHOPROLIFERATION AND AUTOIMMUNITY; IL2RA DEFICIENCY. Identifiers: Orphanet 169100, MedGen C1853392, MONDO:0011664, OMIM 606367.

Allele frequency attached by ClinVar (database versions not stated): gnomAD 0.00001; gnomAD exomes 0.00001 and 0.00005; TOPMed 0.00002; ExAC 0.00003.
gnomAD v4.1: 14 of 1,612,580 alleles (0.00087%); highest among the groups gnomAD compares: Admixed American, 0.023%; no homozygotes.

Submissions (2):

Labcorp Genetics (formerly Invitae), Labcorp
Classification: Likely benign for Immunodeficiency due to CD25 deficiency. Last evaluated: 2025-10-13. Review status: criteria provided, single submitter. Criteria: Invitae Variant Classification Sherloc (09022015). Collection method: clinical testing. Allele origin: germline.

Genetic Services Laboratory, University of Chicago
Classification: Uncertain significance. Last evaluated: 2021-11-17. Review status: criteria provided, single submitter. Criteria: ACMG Guidelines, 2015. Collection method: clinical testing. Allele origin: germline. Affected: no.
Comment: DNA sequence analysis of the IL2RA gene demonstrated a sequence change in intron 1, c.64+8C>T. This change does not appear to have been previously described in individuals with IL2RA-related disorders. This sequence change has been described in the gnomAD database with a frequency of 0.0052% (dbSNP rs763613912). In-silico splice prediction programs provide inconclusive results for this sequence change.The functional significance of this sequence change is not known at present and its contribution to this individual's disease phenotype cannot definitively be determined.